The following is an entry in ClinVar:

ClinVar aggregate classification (germline): Uncertain significance (1 of 4 stars; one submission).

Conditions:
Hereditary cancer-predisposing syndrome. Also called: Neoplastic Syndromes, Hereditary; Tumor predisposition; Hereditary neoplastic syndrome; Hereditary Cancer Syndrome. Identifiers: Orphanet 140162, MedGen C0027672, MeSH D009386, MONDO:0015356.

gnomAD v4.1: 1 of 1,613,254 alleles (0.000062%); highest among the groups gnomAD compares: Non-Finnish European, 0.000085%; no homozygotes.

Submission:

Ambry Genetics
Classification: Uncertain significance for Hereditary cancer-predisposing syndrome. Last evaluated: 2026-08-19. Review status: criteria provided, single submitter. Criteria: Ambry Variant Classification Scheme 2023. Collection method: clinical testing. Allele origin: germline.
Comment: The p.T503R variant (also known as c.1508C>G), located in coding exon 7 of the RET gene, results from a C to G substitution at nucleotide position 1508. The threonine at codon 503 is replaced by arginine, an amino acid with similar properties. This amino acid position is not well conserved in available vertebrate species. In addition, this alteration is predicted to be tolerated by in silico analysis. Based on the available evidence, the clinical significance of this variant remains unclear.

NM_020975.6(RET):c.1508C>G (p.Thr503Arg)

Gene: RET (ret proto-oncogene; plus strand). Cytogenetic location: 10q11.21.
Variant type: single nucleotide variant.
Coding change: c.1508C>G on transcript NM_020975.6 (MANE Select); coding-DNA position 1508, C replaced by G.
Protein change: p.Thr503Arg; replaces threonine 503 with arginine.
Molecular consequence: missense variant. On other transcripts: intron variant (15).
Genome position (GRCh38, 1-based): chr10:43,111,451, C>G. VCF-style: chr10-43111451-C-G. GRCh37 (hg19) VCF-style: chr10-43606899-C-G.
Other names: c.746C>G, p.Thr249Arg (NM_001355216.2); c.1508C>G, p.Thr503Arg (NM_001406743.1, NM_001406744.1, NM_001406759.1 and 4 more transcripts); c.1379C>G, p.Thr460Arg (NM_001406761.1, NM_001406762.1, NM_001406764.1 and 1 more transcripts); c.1112C>G, p.Thr371Arg (NM_001406772.1, NM_001406769.1); c.1070C>G, p.Thr357Arg (NM_001406773.1, NM_001406771.1); c.983C>G, p.Thr328Arg (NM_001406774.1); c.782C>G, p.Thr261Arg (NM_001406775.1, NM_001406776.1, NM_001406777.1 and 1 more transcripts); c.518C>G, p.Thr173Arg (NM_001406784.1); and 5 more; short protein forms T357R, T328R, T407R, T460R, T503R, T173R, T261R, T371R.
Identifiers: ClinVar variation 5028202 (VCV005028202.1).